The following is an entry in ClinVar:

ClinVar aggregate classification (germline): Conflicting classifications of pathogenicity. Review status: criteria provided, conflicting classifications (1 of 4 stars). 2 submissions from 2 submitters: Uncertain significance (1); Likely benign (1). Last evaluated 2025-08-05.

Allele frequency attached by ClinVar (database versions not stated): gnomAD 0.00277; 1000 Genomes Project 0.00200; ESP Exome Variant Server 0.00301; TOPMed 0.00302; gnomAD exomes 0.00340; 1000 Genomes Project 30x 0.00234; ExAC 0.00257.

Submissions (3):

Ambry Genetics
Classification: Uncertain significance. Last evaluated: 2025-08-05. Review status: criteria provided, single submitter. Criteria: Ambry Variant Classification Scheme 2023. Collection method: clinical testing. Allele origin: germline.

CeGaT Center for Human Genetics Tuebingen
Classification: Likely benign. Last evaluated: 2023-03-01. Review status: criteria provided, single submitter. Criteria: CeGaT Center For Human Genetics Tuebingen Variant Classification Criteria Version 2. Collection method: clinical testing. Allele origin: germline. Affected: yes. Observed: 1 variant allele.
Comment: SELENOO: BS2

Dr. Peter K. Rogan Lab, Western University
No classification provided (evidence only). Condition: Clear cell carcinoma of kidney. Review status: no classification provided. Collection method: in vitro. Allele origin: not applicable. Functional consequence: retained intron. Not counted in ClinVar's aggregate classification.

NM_031454.2(SELENOO):c.880G>A (p.Glu294Lys)

Genes: SELENOO (selenoprotein O; plus strand), SELENOO-AS1 (SELENOO antisense RNA 1; minus strand). Cytogenetic location: 22q13.33.
Variant type: single nucleotide variant.
Coding change: c.880G>A on transcript NM_031454.2 (MANE Select); coding-DNA position 880, G replaced by A.
Protein change: p.Glu294Lys; replaces glutamic acid 294 with lysine.
Molecular consequence: missense variant.
Genome position (GRCh38, 1-based): chr22:50,208,657, G>A. VCF-style: chr22-50208657-G-A. GRCh37 (hg19) VCF-style: chr22-50647086-G-A.
Other names: NC_000022.10:g.50647086G>A; c.880G>A (NM_031454.1); short protein forms E294K.
Identifiers: ClinVar variation 2653368 (VCV002653368.26), dbSNP rs141180808, ClinGen allele CA10306311.